The following is an entry in ClinVar:

ClinVar aggregate classification (germline): Likely benign (1 of 4 stars; one submission).

Conditions:
SEMA3D-related disorder. Also called: SEMA3D-related condition.

gnomAD v4.1: 1 of 1,392,154 alleles (0.000072%); highest among the groups gnomAD compares: Non-Finnish European, 0.000098%; no homozygotes.

Submission:

PreventionGenetics, part of Exact Sciences
Classification: Likely benign for SEMA3D-related condition. Last evaluated: 2026-04-23. Review status: criteria provided, single submitter. Criteria: ACMG Guidelines, 2015. Collection method: clinical testing. Allele origin: germline.
Comment: This variant is classified as likely benign based on ACMG/AMP sequence variant interpretation guidelines (Richards et al. 2015 PMID: 25741868, with internal and published modifications).

NM_001384900.1(SEMA3D):c.862-8C>A

Gene: SEMA3D (semaphorin 3D; minus strand). Cytogenetic location: 7q21.11.
Variant type: single nucleotide variant.
Coding change: c.862-8C>A on transcript NM_001384900.1 (MANE Select); 8 bases into the intron before coding-DNA position 862, C replaced by A.
Molecular consequence: intron variant.
Genome position (GRCh38, 1-based): chr7:85,042,293, G>T on the plus strand (C>A on the coding strand, the complement: SEMA3D is on the minus strand). VCF-style: chr7-85042293-G-T. GRCh37 (hg19) VCF-style: chr7-84671609-G-T.
Other names: c.862-8C>A (NM_001384901.1, NM_001384903.1, NM_001384902.1 and 1 more transcripts).
Identifiers: ClinVar variation 4992054 (VCV004992054.1).